The following is an entry in ClinVar:

NM_000038.6(APC):c.4633T>A (p.Ser1545Thr)

Gene: APC (APC regulator of Wnt signaling pathway; plus strand). Cytogenetic location: 5q22.2.
Variant type: single nucleotide variant.
Coding change: c.4633T>A on transcript NM_000038.6 (MANE Select); coding-DNA position 4633, T replaced by A.
Protein change: p.Ser1545Thr; replaces serine 1545 with threonine.
Molecular consequence: missense variant.
Genome position (GRCh38, 1-based): chr5:112,840,227, T>A. VCF-style: chr5-112840227-T-A. GRCh37 (hg19) VCF-style: chr5-112175924-T-A.
Other names: c.4633T>A, p.Ser1545Thr (NM_001127510.3, NM_001354895.2, NM_001407450.1); c.4579T>A, p.Ser1527Thr (NM_001127511.3); c.4687T>A, p.Ser1563Thr (NM_001354896.2, NM_001407447.1, NM_001407448.1 and 1 more transcripts); c.4663T>A, p.Ser1555Thr (NM_001354897.2); c.4558T>A, p.Ser1520Thr (NM_001354898.2); c.4549T>A, p.Ser1517Thr (NM_001354899.2); c.4510T>A, p.Ser1504Thr (NM_001354900.2); c.4456T>A, p.Ser1486Thr (NM_001354901.2, NM_001407453.1); and 11 more; short protein forms S1419T, S1504T, S1520T, S1573T, S1385T, S1454T, S1538T, S1545T.
Identifiers: ClinVar variation 1742056 (VCV001742056.2), dbSNP rs2149919563, ClinGen allele CA16031482.
Genomic context (GRCh38, chr5:112,840,227, plus strand): 5'-ATGCCTCCAGTTCAGGAAAATGACAATGGGAATGAAACAGAATCAGAGCAGCCTAAAGAA[T>A]CAAATGAAAACCAAGAGAAAGAGGCAGAAAAAACTATTGATTCTGAAAAGGACCTATTAG-3'
Protein context (NP_000029.2, residues 1535-1555): NETESEQPKE[Ser1545Thr]NENQEKEAEK

ClinVar aggregate classification (germline): Uncertain significance (1 of 4 stars; one submission).

Conditions:
Hereditary cancer-predisposing syndrome. Also called: Hereditary Cancer Syndrome; Hereditary neoplastic syndrome; Neoplastic Syndromes, Hereditary; Tumor predisposition. Identifiers: Orphanet 140162, MedGen C0027672, MeSH D009386, MONDO:0015356.

Submission:

Ambry Genetics
Classification: Uncertain significance for Hereditary cancer-predisposing syndrome. Last evaluated: 2022-10-21. Review status: criteria provided, single submitter. Criteria: Ambry Variant Classification Scheme 2023. Collection method: clinical testing. Allele origin: germline.
Comment: The p.S1545T variant (also known as c.4633T>A), located in coding exon 15 of the APC gene, results from a T to A substitution at nucleotide position 4633. The serine at codon 1545 is replaced by threonine, an amino acid with similar properties. This amino acid position is conserved. In addition, in silico predictors for this gene do not accurately predict pathogenicity. Since supporting evidence is limited at this time, the clinical significance of this alteration remains unclear.